The following is an entry in ClinVar:

NM_001128178.3(NPHP1):c.1263T>G (p.Ile421Met)

Gene: NPHP1 (nephrocystin 1; minus strand). Cytogenetic location: 2q13.
Variant type: single nucleotide variant.
Coding change: c.1263T>G on transcript NM_001128178.3 (MANE Select); coding-DNA position 1263, T replaced by G.
Protein change: p.Ile421Met; replaces isoleucine 421 with methionine.
Molecular consequence: missense variant.
Genome position (GRCh38, 1-based): chr2:110,147,922, A>C on the plus strand (T>G on the coding strand, the complement: NPHP1 is on the minus strand). VCF-style: chr2-110147922-A-C. GRCh37 (hg19) VCF-style: chr2-110905499-A-C.
Other names: c.1431T>G, p.Ile477Met (NM_000272.5); c.1074T>G, p.Ile358Met (NM_001128179.3); c.1260T>G, p.Ile420Met (NM_001374256.1); c.1263T>G, p.Ile421Met (NM_001374257.1); c.1428T>G, p.Ile476Met (NM_207181.4); short protein forms I420M, I477M, I421M, I476M, I358M.
Identifiers: ClinVar variation 1360661 (VCV001360661.6), dbSNP rs2104496731, ClinGen allele CA348087798.

ClinVar aggregate classification (germline): Uncertain significance (1 of 4 stars; one submission).

Conditions:
Nephronophthisis. Also called: Juvenile Nephronophthisis. Identifiers: Orphanet 655, MedGen C0687120, MONDO:0019005, HP:0000090.

Submission:

Labcorp Genetics (formerly Invitae), Labcorp
Classification: Uncertain significance for Nephronophthisis. Last evaluated: 2023-11-06. Review status: criteria provided, single submitter. Criteria: Invitae Variant Classification Sherloc (09022015). Collection method: clinical testing. Allele origin: germline.
Comment: This sequence change replaces isoleucine, which is neutral and non-polar, with methionine, which is neutral and non-polar, at codon 477 of the NPHP1 protein (p.Ile477Met). This variant is not present in population databases (gnomAD no frequency). This variant has not been reported in the literature in individuals affected with NPHP1-related conditions. ClinVar contains an entry for this variant (Variation ID: 1360661). Advanced modeling of protein sequence and biophysical properties (such as structural, functional, and spatial information, amino acid conservation, physicochemical variation, residue mobility, and thermodynamic stability) performed at Invitae indicates that this missense variant is not expected to disrupt NPHP1 protein function with a negative predictive value of 80%. In summary, the available evidence is currently insufficient to determine the role of this variant in disease. Therefore, it has been classified as a Variant of Uncertain Significance.